The following is an entry in ClinVar:

NM_006030.4(CACNA2D2):c.316G>A (p.Glu106Lys)

Gene: CACNA2D2 (calcium voltage-gated channel auxiliary subunit alpha2delta 2; minus strand). Cytogenetic location: 3p21.31.
Variant type: single nucleotide variant.
Coding change: c.316G>A on transcript NM_006030.4 (MANE Select); coding-DNA position 316, G replaced by A.
Protein change: p.Glu106Lys; replaces glutamic acid 106 with lysine.
Molecular consequence: missense variant.
Genome position (GRCh38, 1-based): chr3:50,434,402, C>T on the plus strand (G>A on the coding strand, the complement: CACNA2D2 is on the minus strand). VCF-style: chr3-50434402-C-T. GRCh37 (hg19) VCF-style: chr3-50471833-C-T.
Other names: c.316G>A, p.Glu106Lys (NM_001005505.3, NM_001174051.3); c.109G>A, p.Glu37Lys (NM_001291101.1); short protein forms E106K, E37K.
Identifiers: ClinVar variation 1058476 (VCV001058476.4), dbSNP rs140875826, ClinGen allele CA2419253.

ClinVar aggregate classification (germline): Uncertain significance. Review status: criteria provided, multiple submitters, no conflicts (2 of 4 stars). 2 submissions from 2 submitters: Uncertain significance (2). Last evaluated 2024-01-09.

Conditions:
Cerebellar atrophy with seizures and variable developmental delay. Identifiers: MedGen C5193132, MONDO:0032788, OMIM 618501.
Developmental and epileptic encephalopathy. Identifiers: MedGen C5779964, MONDO:0100620.

Allele frequency attached by ClinVar (database versions not stated): gnomAD exomes 0.00003 and 0.00002; TOPMed 0.00001; ExAC 0.00003; ESP Exome Variant Server 0.00015.
gnomAD v4.1: 37 of 1,614,124 alleles (0.0023%); highest among the groups gnomAD compares: Non-Finnish European, 0.0026%; no homozygotes.

Submissions (2):

Revvity Omics, Revvity
Classification: Uncertain significance for Cerebellar atrophy with seizures and variable developmental delay. Last evaluated: 2024-01-09. Review status: criteria provided, single submitter. Criteria: ACMG Guidelines, 2015. Collection method: clinical testing. Allele origin: germline.

Labcorp Genetics (formerly Invitae), Labcorp
Classification: Uncertain significance for Early-infantile DEE. Last evaluated: 2022-07-25. Review status: criteria provided, single submitter. Criteria: Invitae Variant Classification Sherloc (09022015). Collection method: clinical testing. Allele origin: germline.
Comment: This sequence change replaces glutamic acid, which is acidic and polar, with lysine, which is basic and polar, at codon 106 of the CACNA2D2 protein (p.Glu106Lys). This variant is present in population databases (rs140875826, gnomAD 0.005%). This variant has not been reported in the literature in individuals affected with CACNA2D2-related conditions. ClinVar contains an entry for this variant (Variation ID: 1058476). Algorithms developed to predict the effect of missense changes on protein structure and function are either unavailable or do not agree on the potential impact of this missense change (SIFT: "Deleterious"; PolyPhen-2: "Benign"; Align-GVGD: "Class C0"). In summary, the available evidence is currently insufficient to determine the role of this variant in disease. Therefore, it has been classified as a Variant of Uncertain Significance.